The following is an entry in ClinVar:

ClinVar aggregate classification (germline): Benign (1 of 4 stars; one submission).

Conditions:
Oligodontia-cancer predisposition syndrome. Also called: TOOTH AGENESIS-COLORECTAL CANCER SYNDROME. Identifiers: Orphanet 300576, MedGen C1837750, MONDO:0012075, OMIM 608615. Disease mechanism: loss of function.

Submission:

Myriad Genetics, Inc.
Classification: Benign for Oligodontia-cancer predisposition syndrome. Last evaluated: 2024-09-25. Review status: criteria provided, single submitter. Criteria: Myriad Autosomal Dominant, Autosomal Recessive and X-Linked Classification Criteria (2023). Collection method: clinical testing. Allele origin: unknown.
Comment: This variant is considered benign. This variant occurs in the non-coding 3' untranslated region of the gene, and is not expected to impact protein function.

NM_004655.4(AXIN2):c.*4C>T

Gene: AXIN2 (axin 2; minus strand). Cytogenetic location: 17q24.1.
Variant type: single nucleotide variant.
Coding change: c.*4C>T on transcript NM_004655.4 (MANE Select); 4 bases downstream of the stop codon, C replaced by T.
Molecular consequence: 3 prime UTR variant.
Genome position (GRCh38, 1-based): chr17:65,529,972, G>A on the plus strand (C>T on the coding strand, the complement: AXIN2 is on the minus strand). VCF-style: chr17-65529972-G-A. GRCh37 (hg19) VCF-style: chr17-63526090-G-A.
Other names: c.*4C>T (NM_001363813.1).
Identifiers: ClinVar variation 3379074 (VCV003379074.1).
Genomic context (GRCh38, chr17:65,529,972, plus strand): 5'-CACAGCCAAGACAGTTCACAAGAGCTTCGGGCTCCAACAGTTCACCAAAGCCAGACCCCA[G>A]GGCTCAATCGATCCGCTCCACTTTGCCCAGAATCCGGCCTTCATACATCGGGAGCACCGT-3'